The following is an entry in ClinVar:

NM_000135.4(FANCA):c.26C>A (p.Ser9Tyr)

Genes: FANCA (FA complementation group A; minus strand), LOC112486223 (Sharpr-MPRA regulatory region 3988; plus strand). Cytogenetic location: 16q24.3.
Variant type: single nucleotide variant.
Coding change: c.26C>A on transcript NM_000135.4 (MANE Select); coding-DNA position 26, C replaced by A.
Protein change: p.Ser9Tyr; replaces serine 9 with tyrosine.
Molecular consequence: missense variant.
Genome position (GRCh38, 1-based): chr16:89,816,590, G>T on the plus strand (C>A on the coding strand, the complement: FANCA is on the minus strand). VCF-style: chr16-89816590-G-T. GRCh37 (hg19) VCF-style: chr16-89882998-G-T.
Other names: c.26C>A, p.Ser9Tyr (NM_001018112.3, NM_001286167.3, NM_001351830.2); short protein forms S9Y.
Identifiers: ClinVar variation 1361584 (VCV001361584.6), dbSNP rs752776388, ClinGen allele CA8253271.

ClinVar aggregate classification (germline): Uncertain significance (1 of 4 stars; one submission).

Conditions:
Fanconi anemia (FA). Also called: Fanconi's anemia. Identifiers: Orphanet 84, MedGen C0015625, MeSH D005199, MONDO:0019391.

Submission:

Labcorp Genetics (formerly Invitae), Labcorp
Classification: Uncertain significance for Fanconi anemia. Last evaluated: 2021-11-01. Review status: criteria provided, single submitter. Criteria: Invitae Variant Classification Sherloc (09022015). Collection method: clinical testing. Allele origin: germline.
Comment: Advanced modeling of protein sequence and biophysical properties (such as structural, functional, and spatial information, amino acid conservation, physicochemical variation, residue mobility, and thermodynamic stability) performed at Invitae indicates that this missense variant is not expected to disrupt FANCA protein function. This variant has not been reported in the literature in individuals affected with FANCA-related conditions. This variant is not present in population databases (gnomAD no frequency). This sequence change replaces serine, which is neutral and polar, with tyrosine, which is neutral and polar, at codon 9 of the FANCA protein (p.Ser9Tyr). In summary, the available evidence is currently insufficient to determine the role of this variant in disease. Therefore, it has been classified as a Variant of Uncertain Significance.